The following is an entry in ClinVar:

ClinVar aggregate classification (germline): Uncertain significance (1 of 4 stars; one submission).

Conditions:
BBS2-related disorder. Also called: BBS2-related disorders; BBS2-related condition. Identifiers: MedGen CN239228.

Submission:

PreventionGenetics, part of Exact Sciences
Classification: Uncertain significance for BBS2-related condition. Last evaluated: 2024-12-02. Review status: criteria provided, single submitter. Criteria: ACMG Guidelines, 2015. Collection method: clinical testing. Allele origin: germline.
Comment: The BBS2 c.617T>G variant is predicted to result in the amino acid substitution p.Val206Gly. To our knowledge, this variant has not been reported in the literature or in a large population database (gnomAD), indicating this variant is rare. At this time, the clinical significance of this variant is uncertain due to the absence of conclusive functional and genetic evidence.

NM_031885.5(BBS2):c.617T>G (p.Val206Gly)

Gene: BBS2 (Bardet-Biedl syndrome 2; minus strand). Cytogenetic location: 16q13.
Variant type: single nucleotide variant.
Coding change: c.617T>G on transcript NM_031885.5 (MANE Select); coding-DNA position 617, T replaced by G.
Protein change: p.Val206Gly; replaces valine 206 with glycine.
Molecular consequence: missense variant. On other transcripts: non-coding transcript variant (5).
Genome position (GRCh38, 1-based): chr16:56,506,220, A>C on the plus strand (T>G on the coding strand, the complement: BBS2 is on the minus strand). VCF-style: chr16-56506220-A-C. GRCh37 (hg19) VCF-style: chr16-56540132-A-C.
Other names: c.617T>G, p.Val206Gly (NM_001377456.1); short protein forms V206G.
Identifiers: ClinVar variation 5001642 (VCV005001642.1).
Genomic context (GRCh38, chr16:56,506,220, plus strand): 5'-ACTGTGCCATTGGAAAGGGCATAACCAAATCGACTGCCATACATGGGACAAAGAGAGGTG[A>C]CTATCTGCAAAACAATCCACAAAAACACAACATCTTTTCATTAAGACTCAGTTTACTGTC-3'
Protein context (NP_114091.4, residues 196-216): IVAEMTETEI[Val206Gly]TSLCPMYGSR